The following is an entry in ClinVar:

ClinVar aggregate classification (germline): Uncertain significance (1 of 4 stars; one submission).

Submission:

Dasa
Classification: Uncertain significance. Last evaluated: 2026-04-08. Review status: criteria provided, single submitter. Criteria: DASA Assertion Criteria. Collection method: clinical testing. Allele origin: germline.
Comment: NM_001134407.3(GRIN2A):c.2977C>A (p.Pro993Thr) is a missense variant that results in the substitution of proline with threonine. This variant is rare in population databases. The currently available literature and clinical evidence are not sufficient to establish a definitive association between this variant and the reported condition. Therefore, this variant is classified as a variant of uncertain significance.

NM_001134407.3(GRIN2A):c.2977C>A (p.Pro993Thr)

Gene: GRIN2A (glutamate ionotropic receptor NMDA type subunit 2A; minus strand). Cytogenetic location: 16p13.2.
Variant type: single nucleotide variant.
Coding change: c.2977C>A on transcript NM_001134407.3 (MANE Select); coding-DNA position 2977, C replaced by A.
Protein change: p.Pro993Thr; replaces proline 993 with threonine.
Molecular consequence: missense variant.
Genome position (GRCh38, 1-based): chr16:9,764,567, G>T on the plus strand (C>A on the coding strand, the complement: GRIN2A is on the minus strand). VCF-style: chr16-9764567-G-T. GRCh37 (hg19) VCF-style: chr16-9858424-G-T.
Other names: c.2977C>A, p.Pro993Thr (NM_001134408.2, NM_000833.5); short protein forms P993T.
Identifiers: ClinVar variation 5020673 (VCV005020673.1).
Genomic context (GRCh38, chr16:9,764,567, plus strand): 5'-GCTGCCGGGGTCTAGAGTTCGCTTTGGATTCTGTGCTCACGGCCACCTCCACCGTGTTAG[G>T]GTTGGACTCATTGAGAGTAAGAGGATGTTGTCCCTGGAATACATAGTTATTGAGGTTATC-3'
Protein context (NP_001127879.1, residues 983-1003): QHPLTLNESN[Pro993Thr]NTVEVAVSTE